The following is an entry in ClinVar:

NM_005876.5(SPEG):c.7026G>T (p.Glu2342Asp)

Genes: ASIC4-AS1 (ASIC4 antisense RNA 1; minus strand), SPEG (striated muscle enriched protein kinase; plus strand). Cytogenetic location: 2q35.
Variant type: single nucleotide variant.
Coding change: c.7026G>T on transcript NM_005876.5 (MANE Select); coding-DNA position 7026, G replaced by T.
Protein change: p.Glu2342Asp; replaces glutamic acid 2342 with aspartic acid.
Molecular consequence: missense variant.
Genome position (GRCh38, 1-based): chr2:219,484,489, G>T. VCF-style: chr2-219484489-G-T. GRCh37 (hg19) VCF-style: chr2-220349211-G-T.
Other names: short protein forms E2342D.
Identifiers: ClinVar variation 1425855 (VCV001425855.4), dbSNP rs761011797, ClinGen allele CA2127164.

ClinVar aggregate classification (germline): Uncertain significance (1 of 4 stars; one submission).

Allele frequency attached by ClinVar (database versions not stated): TOPMed 0.00003; gnomAD exomes 0.00004 and 0.00009; ExAC 0.00008.
gnomAD v4.1: 21 of 1,607,554 alleles (0.0013%); highest among the groups gnomAD compares: Admixed American, 0.035%; no homozygotes.

Submission:

Labcorp Genetics (formerly Invitae), Labcorp
Classification: Uncertain significance. Last evaluated: 2021-10-12. Review status: criteria provided, single submitter. Criteria: Invitae Variant Classification Sherloc (09022015). Collection method: clinical testing. Allele origin: germline.
Comment: In summary, the available evidence is currently insufficient to determine the role of this variant in disease. Therefore, it has been classified as a Variant of Uncertain Significance. Algorithms developed to predict the effect of missense changes on protein structure and function are either unavailable or do not agree on the potential impact of this missense change (SIFT: "Deleterious"; PolyPhen-2: "Possibly Damaging"; Align-GVGD: "Class C0"). This variant has not been reported in the literature in individuals affected with SPEG-related conditions. This variant is present in population databases (rs761011797, ExAC 0.08%). This sequence change replaces glutamic acid with aspartic acid at codon 2342 of the SPEG protein (p.Glu2342Asp). The glutamic acid residue is moderately conserved and there is a small physicochemical difference between glutamic acid and aspartic acid.